The following is an entry in ClinVar:

NM_019032.6(ADAMTSL4):c.1268G>A (p.Arg423Gln)

Genes: ADAMTSL4 (ADAMTS like 4; plus strand), ADAMTSL4-AS2 (ADAMTSL4 antisense RNA 2; minus strand). Cytogenetic location: 1q21.2.
Variant type: single nucleotide variant.
Coding change: c.1268G>A on transcript NM_019032.6 (MANE Select); coding-DNA position 1268, G replaced by A.
Protein change: p.Arg423Gln; replaces arginine 423 with glutamine.
Molecular consequence: missense variant.
Genome position (GRCh38, 1-based): chr1:150,555,462, G>A. VCF-style: chr1-150555462-G-A. GRCh37 (hg19) VCF-style: chr1-150527938-G-A.
Other names: c.1337G>A, p.Arg446Gln (NM_001288607.2, NM_001288608.2); c.1268G>A, p.Arg423Gln (NM_001378596.1, NM_025008.5); short protein forms R423Q, R446Q.
Identifiers: ClinVar variation 292532 (VCV000292532.13), dbSNP rs370381933, ClinGen allele CA1078213.

ClinVar aggregate classification (germline): Likely benign. Review status: criteria provided, multiple submitters, no conflicts (2 of 4 stars). 4 submissions from 3 submitters: Likely benign (4). Last evaluated 2025-11-10.

Conditions:
Ectopia lentis 2, isolated, autosomal recessive (ECTOL2). Identifiers: Orphanet 1885, MedGen C3541474, MONDO:0009152, OMIM 225100.
Ectopia lentis et pupillae. Also called: ECTOPIA LENTIS WITH ECTOPIA OF PUPIL. Identifiers: Orphanet 1885, MedGen C1644196, MONDO:0009153, OMIM 225200.

Allele frequency attached by ClinVar (database versions not stated): TOPMed 0.00002; gnomAD 0.00003 and 0.00010; gnomAD exomes 0.00027 and 0.00063; ExAC 0.00082; 1000 Genomes Project 30x 0.00109; 1000 Genomes Project 0.00120.
gnomAD v4.1: 412 of 1,614,114 alleles (0.026%); highest among the groups gnomAD compares: South Asian, 0.42%; 3 homozygotes.

Submissions (4):

Labcorp Genetics (formerly Invitae), Labcorp
Classification: Likely benign. Last evaluated: 2025-11-10. Review status: criteria provided, single submitter. Criteria: Invitae Variant Classification Sherloc (09022015). Collection method: clinical testing. Allele origin: germline.

Genome-Nilou Lab
Classification: Likely benign for Ectopia lentis et pupillae. Last evaluated: 2023-04-11. Review status: criteria provided, single submitter. Criteria: ACMG Guidelines, 2015. Collection method: clinical testing. Allele origin: germline. Affected: no.

Genome-Nilou Lab
Classification: Likely benign for Ectopia lentis 2, isolated, autosomal recessive. Last evaluated: 2023-04-11. Review status: criteria provided, single submitter. Criteria: ACMG Guidelines, 2015. Collection method: clinical testing. Allele origin: germline. Affected: no.

Illumina Laboratory Services, Illumina
Classification: Likely benign for Ectopia lentis 2, isolated, autosomal recessive. Last evaluated: 2018-01-13. Review status: criteria provided, single submitter. Criteria: ICSL Variant Classification Criteria 13 December 2019. Collection method: clinical testing. Allele origin: germline.
Comment: This variant was observed in the ICSL laboratory as part of a predisposition screen in an ostensibly healthy population. It had not been previously curated by ICSL or reported in the Human Gene Mutation Database (HGMD: prior to June 1st, 2018), and was therefore a candidate for classification through an automated scoring system. Utilizing variant allele frequency, disease prevalence and penetrance estimates, and inheritance mode, an automated score was calculated to assess if this variant is too frequent to cause the disease. Based on the score and internal cut-off values, a variant classified as likely benign is not then subjected to further curation. The score for this variant resulted in a classification of likely benign for this disease.